The following is an entry in ClinVar:

ClinVar aggregate classification (germline): Likely pathogenic. Review status: criteria provided, multiple submitters, no conflicts (2 of 4 stars). 5 submissions from 5 submitters: Likely pathogenic (5). Last evaluated 2026-09-24.

Conditions:
Bardet-Biedl syndrome 15 (BBS15). Identifiers: Orphanet 110, MedGen C3150127, MONDO:0014443, OMIM 615992.
WDPCP-related disorder. Also called: WDPCP-related condition.
Heart defect - tongue hamartoma - polysyndactyly syndrome. Also called: Congenital heart defects, hamartomas of tongue, and polysyndactyly. Identifiers: Orphanet 1338, MedGen C1857587, MONDO:0009008, OMIM 217085.
Bardet-Biedl syndrome (BBS). Identifiers: Orphanet 110, MedGen C0752166, MONDO:0015229.

Allele frequency attached by ClinVar (database versions not stated): gnomAD exomes below 0.00001 and 0.00001; TOPMed below 0.00001; ExAC 0.00001.
gnomAD v4.1: 20 of 1,595,286 alleles (0.0013%); highest among the groups gnomAD compares: Middle Eastern, 0.021%; no homozygotes.

Submissions (5):

PreventionGenetics, part of Exact Sciences
Classification: Likely pathogenic for WDPCP-related condition. Last evaluated: 2026-09-24. Review status: criteria provided, single submitter. Criteria: ACMG Guidelines, 2015. Collection method: clinical testing. Allele origin: germline.
Comment: The WDPCP c.633+2T>C variant is predicted to disrupt the GT donor site and interfere with normal splicing. To our knowledge, this variant has not been reported in the literature in individuals with WDPCP-related disorders. This variant is reported in 0.00090% of alleles in individuals of European (Non-Finnish) descent in gnomAD. Variants that disrupt the consensus splice donor site in WDPCP are expected to be pathogenic. This variant is interpreted as likely pathogenic.

Labcorp Genetics (formerly Invitae), Labcorp
Classification: Likely pathogenic for Bardet-Biedl syndrome. Last evaluated: 2024-06-27. Review status: criteria provided, single submitter. Criteria: Invitae Variant Classification Sherloc (09022015). Collection method: clinical testing. Allele origin: germline.
Comment: This sequence change affects a donor splice site in intron 8 of the WDPCP gene. It is expected to disrupt RNA splicing. Variants that disrupt the donor or acceptor splice site typically lead to a loss of protein function (PMID: 16199547), and loss-of-function variants in WDPCP are known to be pathogenic (PMID: 20671153, 25427950, 27158779). This variant is present in population databases (rs765356177, gnomAD 0.0009%). This variant has not been reported in the literature in individuals affected with WDPCP-related conditions. ClinVar contains an entry for this variant (Variation ID: 969340). Algorithms developed to predict the effect of sequence changes on RNA splicing suggest that this variant may disrupt the consensus splice site. In summary, the currently available evidence indicates that the variant is pathogenic, but additional data are needed to prove that conclusively. Therefore, this variant has been classified as Likely Pathogenic.

Women's Health and Genetics/Laboratory Corporation of America, LabCorp
Classification: Likely pathogenic for Bardet-Biedl syndrome 15. Last evaluated: 2024-06-20. Review status: criteria provided, single submitter. Criteria: LabCorp Variant Classification Summary - May 2015. Collection method: clinical testing. Allele origin: germline.
Comment: Variant summary: WDPCP c.633+2T>C is located in a canonical splice-site and is predicted to affect mRNA splicing resulting in a significantly altered protein due to either exon skipping, shortening, or inclusion of intronic material. Several computational tools predict a significant impact on normal splicing: Three predict the variant abolishes a 5' splicing donor site. However, these predictions have yet to be confirmed by functional studies. The variant allele was found at a frequency of 4.1e-06 in 243574 control chromosomes. To our knowledge, no occurrence of c.633+2T>C in individuals affected with Bardet-Biedl Syndrome 15 and no experimental evidence demonstrating its impact on protein function have been reported. ClinVar contains an entry for this variant (Variation ID: 969340). Based on the evidence outlined above, the variant was classified as likely pathogenic.

Blueprint Genetics
Classification: Likely pathogenic for WDPCP-related disorders. Last evaluated: 2021-11-18. Review status: criteria provided, single submitter. Criteria: ACMG Guidelines, 2015. Collection method: clinical testing. Allele origin: germline. Affected: yes. Observed: 3 variant alleles.

Molecular Genetics Department, Kulakov National Medical Research Center for Obstetrics, Gynecology and Perinatology
Classification: Likely pathogenic for Heart defect - tongue hamartoma - polysyndactyly syndrome. Review status: criteria provided, single submitter. Criteria: ACMG Guidelines, 2015. Collection method: clinical testing. Allele origin: paternal. Affected: yes.
Comment: A previously undescribed nucleotide variant creates an alteration of the canonical splice site c.633+2T>C in the WDPCP gene. Homozygous and compound heterozygous variants are reported in patients with Congenital heart defects, hamartomas of tongue, and polysyndactyly, 217085. The variant is present in gnomAD population database at low frequency (1/243574 chromosomes, no homozygotes). In summary, the currently available evidence indicates that the variant is pathogenic, but additional data are needed to prove that conclusively. Therefore, this variant has been classified as likely pathogenic.

Literature cited by the submitters: PubMed 16199547 (cited by Labcorp Genetics (formerly Invitae), Labcorp); PubMed 20671153 (cited by Labcorp Genetics (formerly Invitae), Labcorp); PubMed 25427950 (cited by Labcorp Genetics (formerly Invitae), Labcorp); PubMed 27158779 (cited by Labcorp Genetics (formerly Invitae), Labcorp).

NM_015910.7(WDPCP):c.633+2T>C

Gene: WDPCP (WD repeat containing planar cell polarity effector; minus strand). Cytogenetic location: 2p15.
Variant type: single nucleotide variant.
Coding change: c.633+2T>C on transcript NM_015910.7 (MANE Select); the canonical splice donor site of the intron after coding-DNA position 633, T replaced by C.
Molecular consequence: splice donor variant.
Genome position (GRCh38, 1-based): chr2:63,437,419, A>G on the plus strand (T>C on the coding strand, the complement: WDPCP is on the minus strand). VCF-style: chr2-63437419-A-G. GRCh37 (hg19) VCF-style: chr2-63664553-A-G.
Other names: c.561+2T>C (NM_001354044.2); c.156+2T>C (NM_001042692.3); c.633+2T>C (NM_001354045.2).
Identifiers: ClinVar variation 969340 (VCV000969340.11), dbSNP rs765356177, ClinGen allele CA1682402.
Genomic context (GRCh38, chr2:63,437,419, plus strand): 5'-TATGTGATACTCTCATATACCTTAATAATTAATAATATGACTATATAAATCAAAATCTCT[A>G]CCTTATAATCCAAGGCTGAGAGTTTTTCCAGTCTTTTGTTTACATCAGAAGACTCCATCT-3'